The following is an entry in ClinVar:

ClinVar aggregate classification (germline): Likely benign (1 of 4 stars; one submission).

gnomAD v4.1: 10,527 of 1,551,644 alleles (0.68%); highest among the groups gnomAD compares: Non-Finnish European, 0.84%; 48 homozygotes.

Submission:

CeGaT Center for Human Genetics Tuebingen
Classification: Likely benign. Last evaluated: 2025-04-01. Review status: criteria provided, single submitter. Criteria: CeGaT Center For Human Genetics Tuebingen Variant Classification Criteria Version 2. Collection method: clinical testing. Allele origin: germline. Affected: yes. Observed: 1 variant allele.
Comment: IGFN1: BP4, BS2

NM_001164586.2(IGFN1):c.32C>G (p.Pro11Arg)

Gene: IGFN1 (immunoglobulin like and fibronectin type III domain containing 1; plus strand). Cytogenetic location: 1q32.1.
Variant type: single nucleotide variant.
Coding change: c.32C>G on transcript NM_001164586.2 (MANE Select); coding-DNA position 32, C replaced by G.
Protein change: p.Pro11Arg; replaces proline 11 with arginine.
Molecular consequence: missense variant.
Genome position (GRCh38, 1-based): chr1:201,194,178, C>G. VCF-style: chr1-201194178-C-G. GRCh37 (hg19) VCF-style: chr1-201163306-C-G.
Other names: c.32C>G, p.Pro11Arg (NM_001367841.1); short protein forms P11R.
Identifiers: ClinVar variation 3898087 (VCV003898087.7).